The following is an entry in ClinVar:

ClinVar aggregate classification (germline): Uncertain significance (1 of 4 stars; one submission).

Conditions:
Hyperkalemic periodic paralysis. Also called: Gamstorp disease; Familial hyperkalemic periodic paralysis. Identifiers: Orphanet 682, MedGen C0238357, MONDO:0008224, OMIM 170500, HP:0007215.

Allele frequency attached by ClinVar (database versions not stated): TOPMed below 0.00001; ExAC 0.00002.
gnomAD v4.1: 6 of 1,597,212 alleles (0.00038%); highest among the groups gnomAD compares: Non-Finnish European, 0.00051%; no homozygotes.

Submission:

Labcorp Genetics (formerly Invitae), Labcorp
Classification: Uncertain significance for Hyperkalemic periodic paralysis. Last evaluated: 2025-12-10. Review status: criteria provided, single submitter. Criteria: Invitae Variant Classification Sherloc (09022015). Collection method: clinical testing. Allele origin: germline.
Comment: This sequence change replaces methionine, which is neutral and non-polar, with isoleucine, which is neutral and non-polar, at codon 202 of the SCN4A protein (p.Met202Ile). The frequency data for this variant in the population databases is considered unreliable, as metrics indicate poor data quality at this position in the gnomAD database. This variant has not been reported in the literature in individuals affected with SCN4A-related conditions. ClinVar contains an entry for this variant (Variation ID: 477429). Invitae Evidence Modeling of protein sequence and biophysical properties (such as structural, functional, and spatial information, amino acid conservation, physicochemical variation, residue mobility, and thermodynamic stability) indicates that this missense variant is not expected to disrupt SCN4A protein function with a negative predictive value of 95%. In summary, the available evidence is currently insufficient to determine the role of this variant in disease. Therefore, it has been classified as a Variant of Uncertain Significance.

NM_000334.4(SCN4A):c.606G>T (p.Met202Ile)

Gene: SCN4A (sodium voltage-gated channel alpha subunit 4; minus strand). Cytogenetic location: 17q23.3.
Variant type: single nucleotide variant.
Coding change: c.606G>T on transcript NM_000334.4 (MANE Select); coding-DNA position 606, G replaced by T.
Protein change: p.Met202Ile; replaces methionine 202 with isoleucine.
Molecular consequence: missense variant.
Genome position (GRCh38, 1-based): chr17:63,971,727, C>A on the plus strand (G>T on the coding strand, the complement: SCN4A is on the minus strand). VCF-style: chr17-63971727-C-A. GRCh37 (hg19) VCF-style: chr17-62049087-C-A.
Other names: short protein forms M202I.
Identifiers: ClinVar variation 477429 (VCV000477429.10), dbSNP rs769107760, ClinGen allele CA8710105.